The following is an entry in ClinVar:

NM_003119.4(SPG7):c.1663+13C>T

Gene: SPG7 (SPG7 matrix AAA peptidase subunit, paraplegin; plus strand). Cytogenetic location: 16q24.3.
Variant type: single nucleotide variant.
Coding change: c.1663+13C>T on transcript NM_003119.4 (MANE Select); 13 bases into the intron after coding-DNA position 1663, C replaced by T.
Molecular consequence: intron variant.
Genome position (GRCh38, 1-based): chr16:89,548,126, C>T. VCF-style: chr16-89548126-C-T. GRCh37 (hg19) VCF-style: chr16-89614534-C-T.
Other names: c.1663+13C>T (NM_001363850.1).
Identifiers: ClinVar variation 139242 (VCV000139242.19), dbSNP rs80324518, ClinGen allele CA293667.

ClinVar aggregate classification (germline): Benign/Likely benign. Review status: criteria provided, multiple submitters, no conflicts (2 of 4 stars). 8 submissions from 8 submitters: Benign (5); Likely benign (1). 2 of the submissions do not count toward it. Last evaluated 2026-02-03.

Conditions:
Hereditary spastic paraplegia 7 (SPG7). Also called: SPG7-related neurologic disorder; Spastic paraplegia 7; Hereditary spastic paraplegia Paraplegin type; Autosomal recessive spastic paraplegia type 7; SPASTIC PARAPLEGIA 7, AUTOSOMAL RECESSIVE, WITH OR WITHOUT CEREBELLAR ATAXIA. Identifiers: Orphanet 99013, MedGen C1846564, MONDO:0011803, OMIM 607259.

Allele frequency attached by ClinVar (database versions not stated): 1000 Genomes Project 30x 0.02061; 1000 Genomes Project 0.02117; TOPMed 0.04938; gnomAD 0.05354 and 0.05587; gnomAD exomes 0.05375 and 0.08026; ExAC 0.05747; ESP Exome Variant Server 0.06217.
gnomAD v4.1: 121,760 of 1,579,268 alleles (7.7%); highest among the groups gnomAD compares: Non-Finnish European, 9.4%; 5,583 homozygotes.

Submissions (8):

Labcorp Genetics (formerly Invitae), Labcorp
Classification: Benign for Hereditary spastic paraplegia 7. Last evaluated: 2026-02-03. Review status: criteria provided, single submitter. Criteria: Invitae Variant Classification Sherloc (09022015). Collection method: clinical testing. Allele origin: germline.

Blueprint Genetics
Classification: Likely benign. Last evaluated: 2024-11-27. Review status: criteria provided, single submitter. Criteria: ACMG Guidelines, 2015. Collection method: clinical testing. Allele origin: germline.

Illumina Laboratory Services, Illumina
Classification: Benign for Hereditary spastic paraplegia 7. Last evaluated: 2018-01-13. Review status: criteria provided, single submitter. Criteria: ICSL Variant Classification Criteria 13 December 2019. Collection method: clinical testing. Allele origin: germline.
Comment: This variant was observed in the ICSL laboratory as part of a predisposition screen in an ostensibly healthy population. It had not been previously curated by ICSL or reported in the Human Gene Mutation Database (HGMD: prior to June 1st, 2018), and was therefore a candidate for classification through an automated scoring system. Utilizing variant allele frequency, disease prevalence and penetrance estimates, and inheritance mode, an automated score was calculated to assess if this variant is too frequent to cause the disease. Based on the score and internal cut-off values, a variant classified as benign is not then subjected to further curation. The score for this variant resulted in a classification of benign for this disease.

GeneDx
Classification: Benign. Last evaluated: 2012-04-05. Review status: criteria provided, single submitter. Criteria: GeneDx Variant Classification (06012015). Collection method: clinical testing. Allele origin: germline. Affected: yes.
Comment: This variant is considered likely benign or benign based on one or more of the following criteria: it is a conservative change, it occurs at a poorly conserved position in the protein, it is predicted to be benign by multiple in silico algorithms, and/or has population frequency not consistent with disease.

Breakthrough Genomics
Classification: Benign. Review status: criteria provided, single submitter. Criteria: ACMG Guidelines, 2015. Collection method: not provided. Allele origin: germline. Inheritance: Autosomal recessive inheritance. Affected: yes.

PreventionGenetics, part of Exact Sciences
Classification: Benign. Review status: criteria provided, single submitter. Criteria: ACMG Guidelines, 2015. Collection method: clinical testing. Allele origin: germline.

Clinical Genetics DNA and cytogenetics Diagnostics Lab, Erasmus MC, Erasmus Medical Center
Classification: Benign. Review status: no assertion criteria provided. Collection method: clinical testing. Allele origin: germline. Affected: yes. Study: VKGL Data-share Consensus. Not counted in ClinVar's aggregate classification.

Joint Genome Diagnostic Labs from Nijmegen and Maastricht, Radboudumc and MUMC+
Classification: Benign. Review status: no assertion criteria provided. Collection method: clinical testing. Allele origin: germline. Affected: yes. Study: VKGL Data-share Consensus. Not counted in ClinVar's aggregate classification.